The following is an entry in ClinVar:

ClinVar aggregate classification (germline): Uncertain significance (1 of 4 stars; one submission).

Conditions:
Primary dilated cardiomyopathy (DCM). Also called: Dilated Cardiomyopathy. Identifiers: Orphanet 217604, MedGen C0007193, MeSH D002311, MONDO:0005021, HP:0001644. Inheritance: Various modes of inheritance.

Submission:

Labcorp Genetics (formerly Invitae), Labcorp
Classification: Uncertain significance for Primary dilated cardiomyopathy. Last evaluated: 2021-11-02. Review status: criteria provided, single submitter. Criteria: Invitae Variant Classification Sherloc (09022015). Collection method: clinical testing. Allele origin: germline.
Comment: Algorithms developed to predict the effect of missense changes on protein structure and function are either unavailable or do not agree on the potential impact of this missense change (SIFT: "Tolerated"; PolyPhen-2: "Possibly Damaging"; Align-GVGD: "Class C0"). This variant has not been reported in the literature in individuals affected with TXNRD2-related conditions. In summary, the available evidence is currently insufficient to determine the role of this variant in disease. Therefore, it has been classified as a Variant of Uncertain Significance. This variant is not present in population databases (gnomAD no frequency). This sequence change replaces histidine, which is basic and polar, with arginine, which is basic and polar, at codon 353 of the TXNRD2 protein (p.His353Arg).

NM_006440.5(TXNRD2):c.1058A>G (p.His353Arg)

Gene: TXNRD2 (thioredoxin reductase 2; minus strand). Cytogenetic location: 22q11.21.
Variant type: single nucleotide variant.
Coding change: c.1058A>G on transcript NM_006440.5 (MANE Select); coding-DNA position 1058, A replaced by G.
Protein change: p.His353Arg; replaces histidine 353 with arginine.
Molecular consequence: missense variant. On other transcripts: non-coding transcript variant (1).
Genome position (GRCh38, 1-based): chr22:19,883,353, T>C on the plus strand (A>G on the coding strand, the complement: TXNRD2 is on the minus strand). VCF-style: chr22-19883353-T-C. GRCh37 (hg19) VCF-style: chr22-19870876-T-C.
Other names: c.1055A>G, p.His352Arg (NM_001352300.2); c.968A>G, p.His323Arg (NM_001352301.2); c.770A>G, p.His257Arg (NM_001352302.2); short protein forms H353R, H257R, H323R, H352R.
Identifiers: ClinVar variation 1406137 (VCV001406137.6), dbSNP rs1307604976, ClinGen allele CA410682655.
Genomic context (GRCh38, chr22:19,883,353, plus strand): 5'-CAGGGGCCCTGGTCCCGGGACGCATGCCGTACCTCCACCACGTCACCAATGGCGTAGATG[T>C]GGGGCACAGAGGTGGCTTCCCGGGAGTCCACCAGGATCTTCTGAGTGTCGGGGCTAGTAT-3'
Protein context (NP_006431.2, residues 343-363): VDSREATSVP[His353Arg]IYAIGDVVEG